The following is an entry in ClinVar:

ClinVar aggregate classification (germline): Uncertain significance (1 of 4 stars; one submission).

Allele frequency attached by ClinVar (database versions not stated): ExAC 0.00001; gnomAD exomes 0.00001; gnomAD 0.00012; TOPMed 0.00025.
gnomAD v4.1: 34 of 1,614,078 alleles (0.0021%); highest among the groups gnomAD compares: Admixed American, 0.038%; no homozygotes.

Submission:

Labcorp Genetics (formerly Invitae), Labcorp
Classification: Uncertain significance. Last evaluated: 2024-10-21. Review status: criteria provided, single submitter. Criteria: Invitae Variant Classification Sherloc (09022015). Collection method: clinical testing. Allele origin: germline.
Comment: This sequence change replaces phenylalanine, which is neutral and non-polar, with leucine, which is neutral and non-polar, at codon 74 of the HMOX1 protein (p.Phe74Leu). This variant is present in population databases (rs758414026, gnomAD 0.009%). This variant has not been reported in the literature in individuals affected with HMOX1-related conditions. ClinVar contains an entry for this variant (Variation ID: 2047686). An algorithm developed to predict the effect of missense changes on protein structure and function outputs the following: PolyPhen-2: "Benign". The leucine amino acid residue is found in multiple mammalian species, which suggests that this missense change does not adversely affect protein function. In summary, the available evidence is currently insufficient to determine the role of this variant in disease. Therefore, it has been classified as a Variant of Uncertain Significance.

NM_002133.3(HMOX1):c.220T>C (p.Phe74Leu)

Gene: HMOX1 (heme oxygenase 1; plus strand). Cytogenetic location: 22q12.3.
Variant type: single nucleotide variant.
Coding change: c.220T>C on transcript NM_002133.3 (MANE Select); coding-DNA position 220, T replaced by C.
Protein change: p.Phe74Leu; replaces phenylalanine 74 with leucine.
Molecular consequence: missense variant.
Genome position (GRCh38, 1-based): chr22:35,386,760, T>C. VCF-style: chr22-35386760-T-C. GRCh37 (hg19) VCF-style: chr22-35782753-T-C.
Other names: short protein forms F74L.
Identifiers: ClinVar variation 2047686 (VCV002047686.2), dbSNP rs758414026, ClinGen allele CA10204659.
Genomic context (GRCh38, chr22:35,386,760, plus strand): 5'-CTGTACCACATCTATGTGGCCCTGGAGGAGGAGATTGAGCGCAACAAGGAGAGCCCAGTC[T>C]TCGCCCCTGTCTACTTCCCAGAAGAGCTGCACCGCAAGGCTGCCCTGGAGCAGGACCTGG-3'
Protein context (NP_002124.1, residues 64-84): EIERNKESPV[Phe74Leu]APVYFPEELH